The following is an entry in ClinVar:

ClinVar aggregate classification (germline): Benign/Likely benign. Review status: criteria provided, multiple submitters, no conflicts (2 of 4 stars). 2 submissions from 2 submitters: Benign (1); Likely benign (1). Last evaluated 2024-07-03.

Conditions:
Hereditary cancer-predisposing syndrome. Also called: Neoplastic Syndromes, Hereditary; Tumor predisposition; Hereditary Cancer Syndrome; Hereditary neoplastic syndrome. Identifiers: Orphanet 140162, MedGen C0027672, MeSH D009386, MONDO:0015356.
Oligodontia-cancer predisposition syndrome. Also called: TOOTH AGENESIS-COLORECTAL CANCER SYNDROME. Identifiers: Orphanet 300576, MedGen C1837750, MONDO:0012075, OMIM 608615. Disease mechanism: loss of function.

Allele frequency attached by ClinVar (database versions not stated): gnomAD 0.00001; TOPMed 0.00002.
gnomAD v4.1: 2 of 1,613,862 alleles (0.00012%); highest among the groups gnomAD compares: African/African-American, 0.0013%; no homozygotes.

Submissions (2):

Myriad Genetics, Inc.
Classification: Benign for Oligodontia-cancer predisposition syndrome. Last evaluated: 2024-07-03. Review status: criteria provided, single submitter. Criteria: Myriad Autosomal Dominant, Autosomal Recessive and X-Linked Classification Criteria (2023). Collection method: clinical testing. Allele origin: unknown.
Comment: This variant is considered benign. This variant is a silent/synonymous amino acid change and it is not expected to impact splicing.

Ambry Genetics
Classification: Likely benign for Hereditary cancer-predisposing syndrome. Last evaluated: 2020-08-24. Review status: criteria provided, single submitter. Criteria: Ambry Variant Classification Scheme 2023. Collection method: clinical testing. Allele origin: germline.

NM_004655.4(AXIN2):c.1581C>A (p.Thr527=)

Gene: AXIN2 (axin 2; minus strand). Cytogenetic location: 17q24.1.
Variant type: single nucleotide variant.
Coding change: c.1581C>A on transcript NM_004655.4 (MANE Select); coding-DNA position 1581, C replaced by A.
Protein change: p.Thr527=; no amino-acid change (threonine 527 retained).
Molecular consequence: synonymous variant.
Genome position (GRCh38, 1-based): chr17:65,537,455, G>T on the plus strand (C>A on the coding strand, the complement: AXIN2 is on the minus strand). VCF-style: chr17-65537455-G-T. GRCh37 (hg19) VCF-style: chr17-63533573-G-T.
Other names: c.1581C>A, p.Thr527= (NM_001363813.1).
Identifiers: ClinVar variation 1775702 (VCV001775702.3), dbSNP rs896559679, ClinGen allele CA293098230.